The following is an entry in ClinVar:

NM_016373.4(WWOX):c.640T>G (p.Phe214Val)

Gene: WWOX (WW domain containing oxidoreductase; plus strand). Cytogenetic location: 16q23.1.
Variant type: single nucleotide variant.
Coding change: c.640T>G on transcript NM_016373.4 (MANE Select); coding-DNA position 640, T replaced by G.
Protein change: p.Phe214Val; replaces phenylalanine 214 with valine.
Molecular consequence: missense variant.
Genome position (GRCh38, 1-based): chr16:78,424,904, T>G. VCF-style: chr16-78424904-T-G. GRCh37 (hg19) VCF-style: chr16-78458801-T-G.
Other names: c.301T>G, p.Phe101Val (NM_001291997.2); short protein forms F214V, F101V.
Identifiers: ClinVar variation 2005652 (VCV002005652.4), dbSNP rs2507595450, ClinGen allele CA396842729.
Genomic context (GRCh38, chr16:78,424,904, plus strand): 5'-ATCACATGGGATATTTTATTTTTCAGGCCTCTTCATGTGCTTGTGTGCAACGCAGCAACT[T>G]TTGCTCTACCCTGGAGTCTCACCAAAGATGGCCTGGAGACCACCTTTCAAGTGAATCATC-3'
Protein context (NP_057457.1, residues 204-224): LHVLVCNAAT[Phe214Val]ALPWSLTKDG

ClinVar aggregate classification (germline): Uncertain significance (1 of 4 stars; one submission).

Conditions:
Autosomal recessive spinocerebellar ataxia 12. Also called: SPINOCEREBELLAR ATAXIA WITH MENTAL RETARDATION AND EPILEPSY. Identifiers: Orphanet 284282, MedGen C3280452, MONDO:0013687, OMIM 614322.
Developmental and epileptic encephalopathy, 1 (DEE1). Also called: Tonic spasms with clustering, arrest of psychomotor development and hypsarrhythmia on EEG; X-Linked Infantile Spasm Syndrome; X-linked infantile spasms; West's syndrome; OHTAHARA SYNDROME, X-LINKED; Epileptic encephalopathy, early infantile, 1. Identifiers: MedGen C3463992, MONDO:0010632, OMIM 308350. Disease mechanism: loss of function.

Submission:

Labcorp Genetics (formerly Invitae), Labcorp
Classification: Uncertain significance for Developmental and epileptic encephalopathy, 1; Autosomal recessive spinocerebellar ataxia 12. Last evaluated: 2021-12-16. Review status: criteria provided, single submitter. Criteria: Invitae Variant Classification Sherloc (09022015). Collection method: clinical testing. Allele origin: germline.
Comment: In summary, the available evidence is currently insufficient to determine the role of this variant in disease. Therefore, it has been classified as a Variant of Uncertain Significance. Algorithms developed to predict the effect of missense changes on protein structure and function are either unavailable or do not agree on the potential impact of this missense change (SIFT: "Not Available"; PolyPhen-2: "Benign"; Align-GVGD: "Not Available"). This variant has not been reported in the literature in individuals affected with WWOX-related conditions. This variant is not present in population databases (gnomAD no frequency). This sequence change replaces phenylalanine, which is neutral and non-polar, with valine, which is neutral and non-polar, at codon 214 of the WWOX protein (p.Phe214Val).